The following is an entry in ClinVar:

NM_006516.4(SLC2A1):c.32G>A (p.Arg11His)

Gene: SLC2A1 (solute carrier family 2 member 1; minus strand). Cytogenetic location: 1p34.2.
Variant type: single nucleotide variant.
Coding change: c.32G>A on transcript NM_006516.4 (MANE Select); coding-DNA position 32, G replaced by A.
Protein change: p.Arg11His; replaces arginine 11 with histidine.
Molecular consequence: missense variant.
Genome position (GRCh38, 1-based): chr1:42,943,308, C>T on the plus strand (G>A on the coding strand, the complement: SLC2A1 is on the minus strand). VCF-style: chr1-42943308-C-T. GRCh37 (hg19) VCF-style: chr1-43408979-C-T.
Other names: short protein forms R11H.
Identifiers: ClinVar variation 1422867 (VCV001422867.14), dbSNP rs150921182, ClinGen allele CA803638.

ClinVar aggregate classification (germline): Uncertain significance. Review status: criteria provided, multiple submitters, no conflicts (2 of 4 stars). 2 submissions from 2 submitters: Uncertain significance (2). Last evaluated 2025-08-01.

Conditions:
GLUT1 deficiency syndrome 1, autosomal recessive. Identifiers: MedGen C3149117.

Allele frequency attached by ClinVar (database versions not stated): gnomAD exomes 0.00001; ExAC 0.00002; ESP Exome Variant Server 0.00008.
gnomAD v4.1: 8 of 1,613,610 alleles (0.0005%); highest among the groups gnomAD compares: East Asian, 0.0022%; no homozygotes.

Submissions (2):

CeGaT Center for Human Genetics Tuebingen
Classification: Uncertain significance. Last evaluated: 2025-08-01. Review status: criteria provided, single submitter. Criteria: CeGaT Center For Human Genetics Tuebingen Variant Classification Criteria Version 2. Collection method: clinical testing. Allele origin: germline. Affected: yes. Observed: 1 variant allele.
Comment: SLC2A1: PM2

Labcorp Genetics (formerly Invitae), Labcorp
Classification: Uncertain significance for GLUT1 deficiency syndrome 1, autosomal recessive. Last evaluated: 2024-04-07. Review status: criteria provided, single submitter. Criteria: Invitae Variant Classification Sherloc (09022015). Collection method: clinical testing. Allele origin: germline.
Comment: This sequence change replaces arginine, which is basic and polar, with histidine, which is basic and polar, at codon 11 of the SLC2A1 protein (p.Arg11His). The frequency data for this variant in the population databases is considered unreliable, as metrics indicate poor data quality at this position in the gnomAD database. This variant has not been reported in the literature in individuals affected with SLC2A1-related conditions. ClinVar contains an entry for this variant (Variation ID: 1422867). Advanced modeling of protein sequence and biophysical properties (such as structural, functional, and spatial information, amino acid conservation, physicochemical variation, residue mobility, and thermodynamic stability) performed at Invitae indicates that this missense variant is not expected to disrupt SLC2A1 protein function with a negative predictive value of 95%. In summary, the available evidence is currently insufficient to determine the role of this variant in disease. Therefore, it has been classified as a Variant of Uncertain Significance.